The following is an entry in ClinVar:

ClinVar aggregate classification (germline): Benign/Likely benign. Review status: criteria provided, multiple submitters, no conflicts (2 of 4 stars). 4 submissions from 4 submitters: Benign (1); Likely benign (3). Last evaluated 2025-12-24.

Conditions:
BAP1-related tumor predisposition syndrome (TPDS1). Also called: Tumor susceptibility linked to germline BAP1 mutations; BAP1 tumor predisposition syndrome; COMMON Syndrome; TUMOR PREDISPOSITION SYNDROME 1. Identifiers: Orphanet 289539, MedGen C3280492, MONDO:0013692, OMIM 614327.
Hereditary cancer-predisposing syndrome. Also called: Hereditary Cancer Syndrome; Neoplastic Syndromes, Hereditary; Tumor predisposition; Hereditary neoplastic syndrome. Identifiers: Orphanet 140162, MedGen C0027672, MeSH D009386, MONDO:0015356.

Allele frequency attached by ClinVar (database versions not stated): gnomAD exomes below 0.00001 and 0.00001.
gnomAD v4.1: 18 of 1,613,916 alleles (0.0011%); highest among the groups gnomAD compares: Non-Finnish European, 0.0015%; no homozygotes.

Submissions (4):

Labcorp Genetics (formerly Invitae), Labcorp
Classification: Likely benign for BAP1-related tumor predisposition syndrome. Last evaluated: 2025-12-24. Review status: criteria provided, single submitter. Criteria: Invitae Variant Classification Sherloc (09022015). Collection method: clinical testing. Allele origin: germline.

Myriad Genetics, Inc.
Classification: Benign for BAP1-related tumor predisposition syndrome. Last evaluated: 2024-07-17. Review status: criteria provided, single submitter. Criteria: Myriad Autosomal Dominant, Autosomal Recessive and X-Linked Classification Criteria (2023). Collection method: clinical testing. Allele origin: unknown.
Comment: This variant is considered benign. This variant is a silent/synonymous amino acid change and it is not expected to impact splicing.

Ambry Genetics
Classification: Likely benign for Hereditary cancer-predisposing syndrome. Last evaluated: 2020-11-25. Review status: criteria provided, single submitter. Criteria: Ambry Variant Classification Scheme 2023. Collection method: clinical testing. Allele origin: germline.

Color Diagnostics, LLC DBA Color Health
Classification: Likely benign for Hereditary cancer-predisposing syndrome. Last evaluated: 2017-08-28. Review status: criteria provided, single submitter. Criteria: ACMG Guidelines, 2015. Collection method: clinical testing. Allele origin: germline.

NM_004656.4(BAP1):c.1737G>A (p.Gly579=)

Gene: BAP1 (BRCA1 associated deubiquitinase 1; minus strand). Cytogenetic location: 3p21.1.
Variant type: single nucleotide variant.
Coding change: c.1737G>A on transcript NM_004656.4 (MANE Select); coding-DNA position 1737, G replaced by A.
Protein change: p.Gly579=; no amino-acid change (glycine 579 retained).
Molecular consequence: synonymous variant.
Genome position (GRCh38, 1-based): chr3:52,403,291, C>T on the plus strand (G>A on the coding strand, the complement: BAP1 is on the minus strand). VCF-style: chr3-52403291-C-T. GRCh37 (hg19) VCF-style: chr3-52437307-C-T.
Identifiers: ClinVar variation 490812 (VCV000490812.14), dbSNP rs1276570098, ClinGen allele CA433886139.